The following is an entry in ClinVar:

ClinVar aggregate classification (germline): Pathogenic/Likely pathogenic. Review status: criteria provided, multiple submitters, no conflicts (2 of 4 stars). 4 submissions from 4 submitters: Pathogenic (3); Likely pathogenic (1). Last evaluated 2024-08-12.

Conditions:
3-M syndrome. Also called: Three M syndrome; 3-MSBN; Three-M slender-boned nanism; 3M SYNDROME. Identifiers: Orphanet 2616, MedGen C1848862, MONDO:0007477.
3M syndrome 1. Also called: 3-M Syndrome, CUL7-Related. Identifiers: Orphanet 2616, MedGen C2678312, MONDO:0010117, OMIM 273750.

Submissions (4):

Women's Health and Genetics/Laboratory Corporation of America, LabCorp
Classification: Pathogenic for 3-M syndrome. Last evaluated: 2024-08-12. Review status: criteria provided, single submitter. Criteria: LabCorp Variant Classification Summary - May 2015. Collection method: clinical testing. Allele origin: germline.
Comment: Variant summary: CUL7 c.2130_2131delinsTGCCTG (p.Cys711AlafsX12) results in a premature termination codon, predicted to cause a truncation of the encoded protein or absence of the protein due to nonsense mediated decay, which are commonly known mechanisms for disease. It was identified as part of a in cis multinucleotide variant combination of c.2127_2129dupTGC and c.2132dupG in exon 9 of CUL7 gene . The specific variant was absent in 251004 control chromosomes. To our knowledge, no occurrence of c.2130_2131delinsTGCCTG in individuals affected with Three M Syndrome 1 and no experimental evidence demonstrating its impact on protein function have been reported. Loss of function variants in CUL7 gene are an established mechanism of disease. ClinVar contains an entry for this variant (Variation ID: 450651). Based on the evidence outlined above, the variant was classified as pathogenic.

Fulgent Genetics
Classification: Likely pathogenic for 3M syndrome 1. Last evaluated: 2024-01-09. Review status: criteria provided, single submitter. Criteria: ACMG Guidelines, 2015. Collection method: clinical testing. Allele origin: germline.

Labcorp Genetics (formerly Invitae), Labcorp
Classification: Pathogenic. Last evaluated: 2021-03-03. Review status: criteria provided, single submitter. Criteria: Invitae Variant Classification Sherloc (09022015). Collection method: clinical testing. Allele origin: germline.
Comment: For these reasons, this variant has been classified as Pathogenic. This variant has not been reported in the literature in individuals with CUL7-related conditions. The frequency data for this variant in the population databases is not available, as this variant may be reported as separate entries in the ExAC database. This sequence change creates a premature translational stop signal (p.Cys711Alafs*12) in the CUL7 gene. It is expected to result in an absent or disrupted protein product. Loss-of-function variants in CUL7 are known to be pathogenic (PMID: 16142236, 17675530, 19225462).

GeneDx
Classification: Pathogenic. Last evaluated: 2017-07-19. Review status: criteria provided, single submitter. Criteria: GeneDx Variant Classification (06012015). Collection method: clinical testing. Allele origin: germline. Affected: yes.
Comment: The c.2130_2131delCTinsTGCCTG variant in the CUL7 gene has not been reported previously as a pathogenic variant nor as a benign variant, to our knowledge. This variant causes a frameshift starting with codon Cysteine 711, changes this amino acid to an Alanine residue, and creates a premature Stop codon at position 12 of the new reading frame, denoted p.Cys711AlafsX12. This variant is predicted to cause loss of normal protein function either through protein truncation or nonsense-mediated mRNA decay. The c.2130_2131delCTinsTGCCTG variant is not observed in large population cohorts (Lek et al., 2016; 1000 Genomes Consortium et al., 2015; Exome Variant Server). We interpret c.2130_2131delCTinsTGCCTG as a pathogenic variant.

Literature cited by the submitters: PubMed 16142236 (cited by Labcorp Genetics (formerly Invitae), Labcorp); PubMed 17675530 (cited by Labcorp Genetics (formerly Invitae), Labcorp); PubMed 19225462 (cited by Labcorp Genetics (formerly Invitae), Labcorp).

NM_014780.5(CUL7):c.2130_2131delinsTGCCTG (p.Cys711fs)

Gene: CUL7 (cullin 7; minus strand). Cytogenetic location: 6p21.1.
Variant type: Indel.
Coding change: c.2130_2131delinsTGCCTG on transcript NM_014780.5 (MANE Select); coding-DNA positions 2130 to 2131, CT replaced by TGCCTG.
Protein change: p.Cys711fs; shifts the reading frame from cysteine 711.
Molecular consequence: frameshift variant.
Genome position (GRCh38, 1-based): chr6:43,048,186-43,048,187, AG replaced by CAGGCA on the plus strand (CT replaced by TGCCTG on the coding strand, the reverse complement: CUL7 is on the minus strand). VCF-style: chr6-43048186-AG-CAGGCA. GRCh37 (hg19) VCF-style: chr6-43015924-AG-CAGGCA.
Other names: c.2130_2131delCTinsTGCCTG (NM_014780.4); c.2226_2227delinsTGCCTG, p.Cys743fs (NM_001168370.2, NM_001374872.1); c.2130_2131delinsTGCCTG, p.Cys711fs (NM_001374873.1, NM_001374874.1); short protein forms C711fs, C743fs.
Identifiers: ClinVar variation 450651 (VCV000450651.6), dbSNP rs1554138553, ClinGen allele CA658657594.
Genomic context (GRCh38, chr6:43,048,186, plus strand): 5'-CCCCAGAGCAGGGCAGGGGTACCTCTCGATCAGTGTTTGGGGACCGCAGGCAGGCCATGC[AG>CAGGCA]GCATCCACGGCCTCGTGCCAGGGGAGCAGCAGTGCCTCGGGGAAGTCCACCAGCTGCTTC-3'